The following is an entry in ClinVar:

NM_033004.4(NLRP1):c.2845C>A (p.Pro949Thr)

Gene: NLRP1 (NLR family pyrin domain containing 1; minus strand). Cytogenetic location: 17p13.2.
Variant type: single nucleotide variant.
Coding change: c.2845C>A on transcript NM_033004.4 (MANE Select); coding-DNA position 2845, C replaced by A.
Protein change: p.Pro949Thr; replaces proline 949 with threonine.
Molecular consequence: missense variant.
Genome position (GRCh38, 1-based): chr17:5,539,440, G>T on the plus strand (C>A on the coding strand, the complement: NLRP1 is on the minus strand). VCF-style: chr17-5539440-G-T. GRCh37 (hg19) VCF-style: chr17-5442760-G-T.
Other names: c.2845C>A, p.Pro949Thr (NM_001033053.3, NM_014922.5, NM_033006.4 and 1 more transcripts); short protein forms P949T.
Identifiers: ClinVar variation 4978972 (VCV004978972.1).

ClinVar aggregate classification (germline): Uncertain significance (1 of 4 stars; one submission).

Conditions:
NLRP1-related disorder. Also called: NLRP1-related condition.

gnomAD v4.1: 5 of 1,613,594 alleles (0.00031%); highest among the groups gnomAD compares: African/African-American, 0.0067%; no homozygotes.

Submission:

PreventionGenetics, part of Exact Sciences
Classification: Uncertain significance for NLRP1-related condition. Last evaluated: 2025-07-31. Review status: criteria provided, single submitter. Criteria: ACMG Guidelines, 2015. Collection method: clinical testing. Allele origin: germline.
Comment: The NLRP1 c.2845C>A variant is predicted to result in the amino acid substitution p.Pro949Thr. To our knowledge, this variant has not been reported in the literature. This variant is reported in 0.0062% of alleles in individuals of African descent in gnomAD. At this time, the clinical significance of this variant is uncertain due to the absence of conclusive functional and genetic evidence.